The following is an entry in ClinVar:

ClinVar aggregate classification (germline): Uncertain significance (1 of 4 stars; one submission).

Submission:

Labcorp Genetics (formerly Invitae), Labcorp
Classification: Uncertain significance. Last evaluated: 2023-07-07. Review status: criteria provided, single submitter. Criteria: Invitae Variant Classification Sherloc (09022015). Collection method: clinical testing. Allele origin: germline.
Comment: An algorithm developed to predict the effect of missense changes on protein structure and function (PolyPhen-2) suggests that this variant is likely to be disruptive. In summary, the available evidence is currently insufficient to determine the role of this variant in disease. Therefore, it has been classified as a Variant of Uncertain Significance. ClinVar contains an entry for this variant (Variation ID: 2094732). This variant has not been reported in the literature in individuals affected with C17orf62-related conditions. This variant is not present in population databases (gnomAD no frequency). This sequence change replaces lysine, which is basic and polar, with asparagine, which is neutral and polar, at codon 48 of the C17orf62 protein (p.Lys48Asn).

NM_001033046.4(CYBC1):c.144G>C (p.Lys48Asn)

Gene: CYBC1 (cytochrome b-245 chaperone 1; minus strand). Cytogenetic location: 17q25.3.
Variant type: single nucleotide variant.
Coding change: c.144G>C on transcript NM_001033046.4 (MANE Select); coding-DNA position 144, G replaced by C.
Protein change: p.Lys48Asn; replaces lysine 48 with asparagine.
Molecular consequence: missense variant. On other transcripts: non-coding transcript variant (2).
Genome position (GRCh38, 1-based): chr17:82,446,680, C>G on the plus strand (G>C on the coding strand, the complement: CYBC1 is on the minus strand). VCF-style: chr17-82446680-C-G. GRCh37 (hg19) VCF-style: chr17-80404556-C-G.
Other names: c.144G>C, p.Lys48Asn (NM_001100407.3, NM_001193653.2, NM_001193654.2 and 2 more transcripts); c.102G>C, p.Lys34Asn (NM_001100408.3); short protein forms K48N, K34N.
Identifiers: ClinVar variation 2094732 (VCV002094732.4), dbSNP rs1351124617, ClinGen allele CA401609165.
Genomic context (GRCh38, chr17:82,446,680, plus strand): 5'-TACCTCCCAGTCCTCCAAGTTCTGCACAGCCACAAACAGGCAGCCTGTGACGTAGAAGAG[C>G]TTCCAGCCCAGGCTATCTGGAGATGGGCATAGGGCGCCAGCCTGTGAGCTCCAGGGACAT-3'
Protein context (NP_001028218.1, residues 38-58): AYYSGDSLGW[Lys48Asn]LFYVTGCLFV